The following is an entry in ClinVar:

ClinVar aggregate classification (germline): Uncertain significance (1 of 4 stars; one submission).

Conditions:
Hereditary cancer-predisposing syndrome. Also called: Neoplastic Syndromes, Hereditary; Tumor predisposition; Hereditary neoplastic syndrome; Hereditary Cancer Syndrome. Identifiers: Orphanet 140162, MedGen C0027672, MeSH D009386, MONDO:0015356.

Allele frequency attached by ClinVar (database versions not stated): gnomAD exomes below 0.00001.
gnomAD v4.1: 3 of 1,613,226 alleles (0.00019%); highest among the groups gnomAD compares: Non-Finnish European, 0.00025%; no homozygotes.

Submission:

Labcorp Genetics (formerly Invitae), Labcorp
Classification: Uncertain significance for Hereditary cancer-predisposing syndrome. Last evaluated: 2021-06-16. Review status: criteria provided, single submitter. Criteria: Invitae Variant Classification Sherloc (09022015). Collection method: clinical testing. Allele origin: germline.
Comment: This sequence change replaces aspartic acid with glutamic acid at codon 301 of the RAD50 protein (p.Asp301Glu). The aspartic acid residue is moderately conserved and there is a small physicochemical difference between aspartic acid and glutamic acid. This variant is not present in population databases (ExAC no frequency). This variant has not been reported in the literature in individuals with RAD50-related conditions. Algorithms developed to predict the effect of missense changes on protein structure and function are either unavailable or do not agree on the potential impact of this missense change (SIFT: "Tolerated"; PolyPhen-2: "Probably Damaging"; Align-GVGD: "Class C0"). In summary, the available evidence is currently insufficient to determine the role of this variant in disease. Therefore, it has been classified as a Variant of Uncertain Significance.

NM_005732.4(RAD50):c.903T>A (p.Asp301Glu)

Gene: RAD50 (RAD50 double strand break repair protein; plus strand). Cytogenetic location: 5q31.1.
Variant type: single nucleotide variant.
Coding change: c.903T>A on transcript NM_005732.4 (MANE Select); coding-DNA position 903, T replaced by A.
Protein change: p.Asp301Glu; replaces aspartic acid 301 with glutamic acid.
Molecular consequence: missense variant.
Genome position (GRCh38, 1-based): chr5:132,587,941, T>A. VCF-style: chr5-132587941-T-A. GRCh37 (hg19) VCF-style: chr5-131923633-T-A.
Other names: short protein forms D301E.
Identifiers: ClinVar variation 1372402 (VCV001372402.8), dbSNP rs375261693, ClinGen allele CA360940809.